The following is an entry in ClinVar:

ClinVar aggregate classification (germline): Uncertain significance. Review status: criteria provided, multiple submitters, no conflicts (2 of 4 stars). 4 submissions from 4 submitters: Uncertain significance (3). 1 of the submissions does not count toward it. Last evaluated 2026-01-21.

Conditions:
Paget disease of bone 2, early-onset (PDB2). Also called: Paget disease of bone 2. Identifiers: MedGen C4085251, MONDO:0011183, OMIM 602080.
Frontotemporal dementia and/or amyotrophic lateral sclerosis 1 (FTDALS1). Also called: Frontotemporal dementia with motor neuron disease 1; C9orf72 Frontotemporal Dementia and/or Amyotrophic Lateral Sclerosis. Identifiers: Orphanet 275872, MedGen C5779877, MONDO:0007105, OMIM 105550.
Frontotemporal dementia and/or amyotrophic lateral sclerosis 3. Also called: FTDALS3. Identifiers: Orphanet 275864, Orphanet 275872, Orphanet 803, MedGen C4225326, MONDO:0014640, OMIM 616437.

Submissions (4):

Labcorp Genetics (formerly Invitae), Labcorp
Classification: Uncertain significance for Paget disease of bone 2, early-onset; Frontotemporal dementia and/or amyotrophic lateral sclerosis 1. Last evaluated: 2026-01-21. Review status: criteria provided, single submitter. Criteria: Invitae Variant Classification Sherloc (09022015). Collection method: clinical testing. Allele origin: germline.
Comment: This variant, c.714_716del, results in the deletion of 1 amino acid(s) of the SQSTM1 protein (p.Lys238del), but otherwise preserves the integrity of the reading frame. This variant is present in population databases (rs767056938, gnomAD 0.003%). This variant has been observed in individual(s) with amyotrophic lateral sclerosis and frontodemporal dementia (PMID: 22084127, 25114083). ClinVar contains an entry for this variant (Variation ID: 202213). Experimental studies and prediction algorithms are not available or were not evaluated, and the functional significance of this variant is currently unknown. In summary, the available evidence is currently insufficient to determine the role of this variant in disease. Therefore, it has been classified as a Variant of Uncertain Significance.

CeGaT Center for Human Genetics Tuebingen
Classification: Uncertain significance. Last evaluated: 2025-04-01. Review status: criteria provided, single submitter. Criteria: CeGaT Center For Human Genetics Tuebingen Variant Classification Criteria Version 2. Collection method: clinical testing. Allele origin: germline. Affected: yes. Observed: 1 variant allele.
Comment: SQSTM1: PM2:Supporting, PM4:Supporting

Institute of Human Genetics, University of Leipzig Medical Center
Classification: Uncertain significance for Frontotemporal dementia and/or amyotrophic lateral sclerosis 3. Last evaluated: 2019-01-01. Review status: criteria provided, single submitter. Criteria: ACMG Guidelines, 2015. Collection method: clinical testing. Allele origin: unknown. Affected: no.

OMIM
Classification: Pathogenic for FRONTOTEMPORAL DEMENTIA AND/OR AMYOTROPHIC LATERAL SCLEROSIS 3. Last evaluated: 2015-01-01. Review status: no assertion criteria provided. Collection method: literature only. Allele origin: germline. Not counted in ClinVar's aggregate classification.

Literature cited by the submitters: PubMed 22084127 (cited by Labcorp Genetics (formerly Invitae), Labcorp and OMIM); PubMed 25114083 (cited by Labcorp Genetics (formerly Invitae), Labcorp and OMIM).

NM_003900.5(SQSTM1):c.711GAA[1] (p.Lys238del)

Gene: SQSTM1 (sequestosome 1; plus strand). Cytogenetic location: 5q35.3.
Variant type: Microsatellite.
Coding change: c.711GAA[1] on transcript NM_003900.5 (MANE Select); one copy of the 3-base unit GAA starting at c.711; the reference has two copies in a row; one copy, 3 bases deleted; also written c.714_716del.
Protein change: p.Lys238del; deletes lysine 238.
Molecular consequence: inframe deletion.
Genome position (GRCh38, 1-based): chr5:179,825,186-179,825,188, GAA deleted; deleting any 3 consecutive bases within chr5:179,825,183-179,825,188 gives the same sequence; the position shown is the placement nearest the transcript's 3' end. VCF-style (leftmost placement, unchanged base first): chr5-179825182-TGAA-T. GRCh37 (hg19) VCF-style: chr5-179252182-TGAA-T.
Other names: c.714_716del (NM_003900.4); c.459GAA[1], p.Lys154del (NM_001142298.2, NM_001142299.2); short protein forms K154del, K238del.
Identifiers: ClinVar variation 202213 (VCV000202213.16), dbSNP rs796052214, ClinGen allele CA203870.